The following is an entry in ClinVar:

ClinVar aggregate classification (germline): Uncertain significance (1 of 4 stars; one submission).

Conditions:
Landau-Kleffner syndrome (FESD). Also called: APHASIA, ACQUIRED, WITH EPILEPSY; EPILEPSY, FOCAL, WITH SPEECH DISORDER AND WITH OR WITHOUT MENTAL RETARDATION. Identifiers: Orphanet 1945, Orphanet 725, Orphanet 98818, MedGen C0282512, MONDO:0009509, OMIM 245570.

gnomAD v4.1: 12 of 1,614,052 alleles (0.00074%); highest among the groups gnomAD compares: Non-Finnish European, 0.001%; no homozygotes.

Submission:

Labcorp Genetics (formerly Invitae), Labcorp
Classification: Uncertain significance for Landau-Kleffner syndrome. Last evaluated: 2025-09-10. Review status: criteria provided, single submitter. Criteria: Invitae Variant Classification Sherloc (09022015). Collection method: clinical testing. Allele origin: germline.
Comment: This sequence change replaces glutamic acid, which is acidic and polar, with glutamine, which is neutral and polar, at codon 962 of the GRIN2A protein (p.Glu962Gln). This variant is not present in population databases (gnomAD no frequency). This variant has not been reported in the literature in individuals affected with GRIN2A-related conditions. ClinVar contains an entry for this variant (Variation ID: 1356385). Invitae Evidence Modeling of protein sequence and biophysical properties (such as structural, functional, and spatial information, amino acid conservation, physicochemical variation, residue mobility, and thermodynamic stability) indicates that this missense variant is not expected to disrupt GRIN2A protein function with a negative predictive value of 95%. In summary, the available evidence is currently insufficient to determine the role of this variant in disease. Therefore, it has been classified as a Variant of Uncertain Significance.

NM_001134407.3(GRIN2A):c.2884G>C (p.Glu962Gln)

Gene: GRIN2A (glutamate ionotropic receptor NMDA type subunit 2A; minus strand). Cytogenetic location: 16p13.2.
Variant type: single nucleotide variant.
Coding change: c.2884G>C on transcript NM_001134407.3 (MANE Select); coding-DNA position 2884, G replaced by C.
Protein change: p.Glu962Gln; replaces glutamic acid 962 with glutamine.
Molecular consequence: missense variant.
Genome position (GRCh38, 1-based): chr16:9,764,660, C>G on the plus strand (G>C on the coding strand, the complement: GRIN2A is on the minus strand). VCF-style: chr16-9764660-C-G. GRCh37 (hg19) VCF-style: chr16-9858517-C-G.
Other names: c.2884G>C, p.Glu962Gln (NM_000833.5, NM_001134408.2); short protein forms E962Q.
Identifiers: ClinVar variation 1356385 (VCV001356385.8), dbSNP rs765370528, ClinGen allele CA277538390.